The following is an entry in ClinVar:

NM_004281.4(BAG3):c.72dup (p.Gly25fs)

Gene: BAG3 (BAG cochaperone 3; plus strand). Cytogenetic location: 10q26.11.
Variant type: Duplication.
Coding change: c.72dup on transcript NM_004281.4 (MANE Select); coding-DNA position 72, one base duplicated (C; older notation c.72dupC).
Protein change: p.Gly25fs; shifts the reading frame from glycine 25.
Molecular consequence: frameshift variant.
Genome position (GRCh38, 1-based): chr10:119,651,747, C duplicated; the last of 6 consecutive C bases (chr10:119,651,742-119,651,747); duplicating any one gives the same sequence. VCF-style (leftmost placement, unchanged base first): chr10-119651741-G-GC. GRCh37 (hg19) VCF-style: chr10-121411253-G-GC.
Other names: c.72dupC (NM_004281.3); short protein forms G25fs.
Identifiers: ClinVar variation 966196 (VCV000966196.16), dbSNP rs727502897, ClinGen allele CA5716207.

ClinVar aggregate classification (germline): Pathogenic/Likely pathogenic. Review status: criteria provided, multiple submitters, no conflicts (2 of 4 stars). 3 submissions from 3 submitters: Pathogenic (2); Likely pathogenic (1). Last evaluated 2024-07-31.

Conditions:
Cardiovascular phenotype. Identifiers: MedGen CN230736.
Myofibrillar myopathy 6. Identifiers: Orphanet 199340, MedGen C2751831, MONDO:0013061, OMIM 612954.
Dilated cardiomyopathy 1HH (CMD1HH). Identifiers: Orphanet 154, MedGen C3151293, MONDO:0013479, OMIM 613881.

Submissions (3):

Ambry Genetics
Classification: Pathogenic for Cardiovascular phenotype. Last evaluated: 2024-07-31. Review status: criteria provided, single submitter. Criteria: Ambry Variant Classification Scheme 2023. Collection method: clinical testing. Allele origin: germline.
Comment: The c.72dupC pathogenic mutation, located in coding exon 1 of the BAG3 gene, results from a duplication of C at nucleotide position 72, causing a translational frameshift with a predicted alternate stop codon (p.G25Rfs*33). This variant has been detected in individuals from a dilated cardiomyopathy cohort (Dom&iacute;nguez F et al. J Am Coll Cardiol, 2018 11;72:2471-2481). Loss of function alterations have been reported in numerous cases of familial dilated cardiomyopathy, including many families with strong segregation with disease (Norton N et al. Am J Hum Genet. 2011;88(3):273-82; Villard E et al. Eur Heart J. 2011;32(9):1065-76; Chami N et al. Can J Cardiol. 2014;30(12):1655-61; Feldman AM et al. J Cell Physiol. 2014;229(11):1697-702; Franaszczyk M et al. J Transl Med. 2014;12:192; van Spaendonck-Zwarts KY et al. Eur Heart J. 2014;35(32):2165-73). In addition, in Norton et al. 2011, BAG3 knockdown in a zebrafish model showed heart failure with decreased fractional shortening and pericardial effusion. This alteration is expected to result in loss of function by premature protein truncation or nonsense-mediated mRNA decay. As such, this alteration is interpreted as a disease-causing mutation.

Labcorp Genetics (formerly Invitae), Labcorp
Classification: Pathogenic for Dilated cardiomyopathy 1HH; Myofibrillar myopathy 6. Last evaluated: 2023-12-12. Review status: criteria provided, single submitter. Criteria: Invitae Variant Classification Sherloc (09022015). Collection method: clinical testing. Allele origin: germline.
Comment: This sequence change creates a premature translational stop signal (p.Gly25Argfs*33) in the BAG3 gene. It is expected to result in an absent or disrupted protein product. Loss-of-function variants in BAG3 are known to be pathogenic (PMID: 21353195, 25008357). The frequency data for this variant in the population databases is considered unreliable, as metrics indicate poor data quality at this position in the gnomAD database. This premature translational stop signal has been observed in individual(s) with BAG3-related conditions (PMID: 30442290). ClinVar contains an entry for this variant (Variation ID: 966196). For these reasons, this variant has been classified as Pathogenic.

GeneDx
Classification: Likely pathogenic. Last evaluated: 2023-07-12. Review status: criteria provided, single submitter. Criteria: GeneDx Variant Classification Process June 2021. Collection method: clinical testing. Allele origin: germline. Affected: yes.
Comment: Frameshift variant predicted to result in protein truncation or nonsense mediated decay in a gene for which loss of function is a known mechanism of disease; Not observed at significant frequency in large population cohorts (gnomAD); Reported in association with DCM, though patient-specific clinical details are lacking (Domnguez et al., 2018); This variant is associated with the following publications: (PMID: 30442290)

Literature cited by the submitters: PubMed 30442290 (cited by Ambry Genetics and Labcorp Genetics (formerly Invitae), Labcorp); PubMed 21353195 (cited by Labcorp Genetics (formerly Invitae), Labcorp); PubMed 25008357 (cited by Labcorp Genetics (formerly Invitae), Labcorp).